The following is an entry in ClinVar:

NM_003776.4(MRPL40):c.117C>G (p.Phe39Leu)

Gene: MRPL40 (mitochondrial ribosomal protein L40; plus strand). Cytogenetic location: 22q11.21.
Variant type: single nucleotide variant.
Coding change: c.117C>G on transcript NM_003776.4 (MANE Select); coding-DNA position 117, C replaced by G.
Protein change: p.Phe39Leu; replaces phenylalanine 39 with leucine.
Molecular consequence: missense variant. On other transcripts: 5 prime UTR variant (1).
Genome position (GRCh38, 1-based): chr22:19,433,328, C>G. VCF-style: chr22-19433328-C-G. GRCh37 (hg19) VCF-style: chr22-19420851-C-G.
Other names: c.-16C>G (NM_001318151.2); short protein forms F39L.
Identifiers: ClinVar variation 2568666 (VCV002568666.3), dbSNP rs149859647, ClinGen allele CA10100133.

ClinVar aggregate classification (germline): Uncertain significance. Review status: criteria provided, multiple submitters, no conflicts (2 of 4 stars). 2 submissions from 2 submitters: Uncertain significance (2). Last evaluated 2026-01-14.

Allele frequency attached by ClinVar (database versions not stated): gnomAD exomes 0.00005; ExAC 0.00013; 1000 Genomes Project 30x 0.00016; 1000 Genomes Project 0.00020; gnomAD 0.00050; ESP Exome Variant Server 0.00054; TOPMed 0.00055.

Submissions (2):

Labcorp Genetics (formerly Invitae), Labcorp
Classification: Uncertain significance. Last evaluated: 2026-01-14. Review status: criteria provided, single submitter. Criteria: Invitae Variant Classification Sherloc (09022015). Collection method: clinical testing. Allele origin: germline.
Comment: This sequence change replaces phenylalanine, which is neutral and non-polar, with leucine, which is neutral and non-polar, at codon 39 of the MRPL40 protein (p.Phe39Leu). This variant is present in population databases (rs149859647, gnomAD 0.2%), and has an allele count higher than expected for a pathogenic variant. This variant has not been reported in the literature in individuals affected with MRPL40-related conditions. ClinVar contains an entry for this variant (Variation ID: 2568666). An algorithm developed to predict the effect of missense changes on protein structure and function (PolyPhen-2) suggests that this variant is likely to be tolerated. In summary, the available evidence is currently insufficient to determine the role of this variant in disease. Therefore, it has been classified as a Variant of Uncertain Significance.

Ambry Genetics
Classification: Uncertain significance. Last evaluated: 2023-04-06. Review status: criteria provided, single submitter. Criteria: Ambry Variant Classification Scheme 2023. Collection method: clinical testing. Allele origin: germline.